The following is an entry in ClinVar:

ClinVar aggregate classification (germline): Uncertain significance (1 of 4 stars; one submission).

Allele frequency attached by ClinVar (database versions not stated): gnomAD exomes 0.00003 and 0.00004; ExAC 0.00006; TOPMed 0.00012; gnomAD 0.00013 and 0.00014.
gnomAD v4.1: 58 of 1,613,818 alleles (0.0036%); highest among the groups gnomAD compares: Middle Eastern, 0.049%; no homozygotes.

Submission:

Labcorp Genetics (formerly Invitae), Labcorp
Classification: Uncertain significance. Last evaluated: 2024-10-22. Review status: criteria provided, single submitter. Criteria: Invitae Variant Classification Sherloc (09022015). Collection method: clinical testing. Allele origin: germline.
Comment: This sequence change replaces methionine, which is neutral and non-polar, with valine, which is neutral and non-polar, at codon 2035 of the HTT protein (p.Met2035Val). This variant is present in population databases (rs763357755, gnomAD 0.04%). This variant has not been reported in the literature in individuals affected with HTT-related conditions. ClinVar contains an entry for this variant (Variation ID: 1482152). Experimental studies and prediction algorithms are not available or were not evaluated, and the functional significance of this variant is currently unknown. In summary, the available evidence is currently insufficient to determine the role of this variant in disease. Therefore, it has been classified as a Variant of Uncertain Significance.

NM_001388492.1(HTT):c.6097A>G (p.Met2033Val)

Gene: HTT (huntingtin; plus strand). Cytogenetic location: 4p16.3.
Variant type: single nucleotide variant.
Coding change: c.6097A>G on transcript NM_001388492.1 (MANE Select); coding-DNA position 6097, A replaced by G.
Protein change: p.Met2033Val; replaces methionine 2033 with valine.
Molecular consequence: missense variant.
Genome position (GRCh38, 1-based): chr4:3,207,302, A>G. VCF-style: chr4-3207302-A-G. GRCh37 (hg19) VCF-style: chr4-3209029-A-G.
Other names: c.6103A>G, p.Met2035Val (NM_002111.8); short protein forms M2033V, M2035V.
Identifiers: ClinVar variation 1482152 (VCV001482152.6), dbSNP rs763357755, ClinGen allele CA2824917.